The following is an entry in ClinVar:

ClinVar aggregate classification (germline): Uncertain significance (1 of 4 stars; one submission).

Allele frequency attached by ClinVar (database versions not stated): ExAC 0.00002; TOPMed 0.00002; gnomAD 0.00003; 1000 Genomes Project 30x 0.00047; 1000 Genomes Project 0.00060.
gnomAD v4.1: 30 of 1,601,310 alleles (0.0019%); highest among the groups gnomAD compares: East Asian, 0.016%; no homozygotes.

Submission:

Labcorp Genetics (formerly Invitae), Labcorp
Classification: Uncertain significance. Last evaluated: 2022-08-10. Review status: criteria provided, single submitter. Criteria: Invitae Variant Classification Sherloc (09022015). Collection method: clinical testing. Allele origin: germline.
Comment: This variant has not been reported in the literature in individuals affected with PDE8B-related conditions. This sequence change falls in intron 2 of the PDE8B gene. It does not directly change the encoded amino acid sequence of the PDE8B protein. It affects a nucleotide within the consensus splice site. This variant is present in population databases (rs527558306, gnomAD 0.006%). Variants that disrupt the consensus splice site are a relatively common cause of aberrant splicing (PMID: 17576681, 9536098). Algorithms developed to predict the effect of sequence changes on RNA splicing suggest that this variant is not likely to affect RNA splicing. In summary, the available evidence is currently insufficient to determine the role of this variant in disease. Therefore, it has been classified as a Variant of Uncertain Significance.

Literature cited by the submitters: PubMed 17576681; PubMed 9536098.

NM_003719.5(PDE8B):c.399+4C>T

Gene: PDE8B (phosphodiesterase 8B; plus strand). Cytogenetic location: 5q13.3.
Variant type: single nucleotide variant.
Coding change: c.399+4C>T on transcript NM_003719.5 (MANE Select); 4 bases into the intron after coding-DNA position 399, C replaced by T.
Molecular consequence: intron variant.
Genome position (GRCh38, 1-based): chr5:77,312,057, C>T. VCF-style: chr5-77312057-C-T. GRCh37 (hg19) VCF-style: chr5-76607882-C-T.
Other names: c.159+4C>T (NM_001349750.3); c.156+4C>T (NM_001376069.1); c.96+4C>T (NM_001376062.1, NM_001376072.1, NM_001376070.1 and 1 more transcripts); c.93+4C>T (NM_001349752.3, NM_001376071.1); c.37-13482C>T (NM_001376066.1, NM_001376074.1); c.27+4C>T (NM_001349753.2, NM_001376067.1, NM_001376075.1 and 1 more transcripts); c.462+4C>T (NM_001349749.3); c.399+4C>T (NM_001029852.4, NM_001376063.1, NM_001376064.1 and 2 more transcripts); and 2 more.
Identifiers: ClinVar variation 1940006 (VCV001940006.5), dbSNP rs527558306, ClinGen allele CA3314884.